The following is an entry in ClinVar:

NM_001298.3(CNGA3):c.662G>A (p.Arg221Gln)

Gene: CNGA3 (cyclic nucleotide gated channel subunit alpha 3; plus strand). Cytogenetic location: 2q11.2.
Variant type: single nucleotide variant.
Coding change: c.662G>A on transcript NM_001298.3 (MANE Select); coding-DNA position 662, G replaced by A.
Protein change: p.Arg221Gln; replaces arginine 221 with glutamine.
Molecular consequence: missense variant.
Genome position (GRCh38, 1-based): chr2:98,391,959, G>A. VCF-style: chr2-98391959-G-A. GRCh37 (hg19) VCF-style: chr2-99008422-G-A.
Other names: c.608G>A, p.Arg203Gln (NM_001079878.2); short protein forms R203Q, R221Q.
Identifiers: ClinVar variation 1019035 (VCV001019035.7), dbSNP rs141395850, ClinGen allele CA1793838.

ClinVar aggregate classification (germline): Uncertain significance. Review status: criteria provided, multiple submitters, no conflicts (2 of 4 stars). 2 submissions from 2 submitters: Uncertain significance (2). Last evaluated 2024-03-06.

Allele frequency attached by ClinVar (database versions not stated): TOPMed 0.00003; gnomAD 0.00004 and 0.00007; gnomAD exomes 0.00008; ExAC 0.00013; ESP Exome Variant Server 0.00015; 1000 Genomes Project 30x 0.00047; 1000 Genomes Project 0.00060.
gnomAD v4.1: 102 of 1,613,908 alleles (0.0063%); highest among the groups gnomAD compares: South Asian, 0.045%; no homozygotes.

Submissions (2):

Blueprint Genetics
Classification: Uncertain significance. Last evaluated: 2024-03-06. Review status: criteria provided, single submitter. Criteria: ACMG Guidelines, 2015. Collection method: clinical testing. Allele origin: germline.

Labcorp Genetics (formerly Invitae), Labcorp
Classification: Uncertain significance. Last evaluated: 2022-07-03. Review status: criteria provided, single submitter. Criteria: Invitae Variant Classification Sherloc (09022015). Collection method: clinical testing. Allele origin: germline.
Comment: This sequence change replaces arginine, which is basic and polar, with glutamine, which is neutral and polar, at codon 221 of the CNGA3 protein (p.Arg221Gln). This variant is present in population databases (rs141395850, gnomAD 0.06%). This variant has not been reported in the literature in individuals affected with CNGA3-related conditions. ClinVar contains an entry for this variant (Variation ID: 1019035). Advanced modeling of protein sequence and biophysical properties (such as structural, functional, and spatial information, amino acid conservation, physicochemical variation, residue mobility, and thermodynamic stability) performed at Invitae indicates that this missense variant is expected to disrupt CNGA3 protein function. In summary, the available evidence is currently insufficient to determine the role of this variant in disease. Therefore, it has been classified as a Variant of Uncertain Significance.